The following is an entry in ClinVar:

NM_007294.4(BRCA1):c.591C>G (p.Cys197Trp)

Gene: BRCA1 (BRCA1 DNA repair associated; minus strand). Cytogenetic location: 17q21.31.
Variant type: single nucleotide variant.
Coding change: c.591C>G on transcript NM_007294.4 (MANE Select); coding-DNA position 591, C replaced by G.
Protein change: p.Cys197Trp; replaces cysteine 197 with tryptophan.
Molecular consequence: missense variant. On other transcripts: non-coding transcript variant (1).
Genome position (GRCh38, 1-based): chr17:43,097,246, G>C on the plus strand (C>G on the coding strand, the complement: BRCA1 is on the minus strand). VCF-style: chr17-43097246-G-C. GRCh37 (hg19) VCF-style: chr17-41249263-G-C.
Other names: c.588C>G, p.Cys196Trp (NM_001407587.1, NM_001407590.1, NM_001407591.1 and 41 more transcripts); c.591C>G, p.Cys197Trp (NM_001407593.1, NM_001407594.1, NM_001407582.1 and 59 more transcripts); c.378C>G, p.Cys126Trp (NM_001407571.1, NM_001407853.1, NM_001407894.1 and 12 more transcripts); c.582C>G, p.Cys194Trp (NM_001407646.1, NM_001407647.1, NM_001408408.1); c.513C>G, p.Cys171Trp (NM_001407653.1, NM_001407654.1, NM_001407655.1 and 9 more transcripts); c.510C>G, p.Cys170Trp (NM_001407659.1, NM_001407660.1, NM_001407661.1 and 3 more transcripts); c.450C>G, p.Cys150Trp (NM_001407692.1, NM_001407694.1, NM_001407695.1 and 43 more transcripts); c.447C>G, p.Cys149Trp (NM_001407740.1, NM_001407741.1, NM_001407742.1 and 26 more transcripts); and 4 more; short protein forms C150W, C197W, C170W, C194W, C196W, C69W, C152W, C126W.
Identifiers: ClinVar variation 978545 (VCV000978545.10), dbSNP rs1799965, ClinGen allele CA10600937.

ClinVar aggregate classification (germline): Uncertain significance (1 of 4 stars; one submission).

Conditions:
Hereditary breast ovarian cancer syndrome. Also called: Hereditary breast and ovarian cancer syndrome; Hereditary breast and/or ovarian cancer syndrome; Hereditary breast and ovarian cancer syndrome (HBOC); Hereditary breast and ovarian cancer; Breast and ovarian cancer; BRCA1- and BRCA2-Associated Hereditary Breast and Ovarian Cancer. Identifiers: Orphanet 145, MedGen C0677776, MeSH D061325, MONDO:0003582. Disease mechanism: loss of function.

Submission:

Labcorp Genetics (formerly Invitae), Labcorp
Classification: Uncertain significance for Hereditary breast ovarian cancer syndrome. Last evaluated: 2019-11-02. Review status: criteria provided, single submitter. Criteria: Invitae Variant Classification Sherloc (09022015). Collection method: clinical testing. Allele origin: germline.
Comment: This variant has not been reported in the literature in individuals with BRCA1-related conditions. In summary, the available evidence is currently insufficient to determine the role of this variant in disease. Therefore, it has been classified as a Variant of Uncertain Significance. Algorithms developed to predict the effect of missense changes on protein structure and function (SIFT, PolyPhen-2, Align-GVGD) all suggest that this variant is likely to be tolerated, but these predictions have not been confirmed by published functional studies and their clinical significance is uncertain. This variant is not present in population databases (ExAC no frequency). This sequence change replaces cysteine with tryptophan at codon 197 of the BRCA1 protein (p.Cys197Trp). The cysteine residue is moderately conserved and there is a large physicochemical difference between cysteine and tryptophan.